The following is an entry in ClinVar:

NM_000127.3(EXT1):c.1762dup (p.Arg588fs)

Gene: EXT1 (exostosin glycosyltransferase 1; minus strand). Cytogenetic location: 8q24.11.
Variant type: Duplication.
Coding change: c.1762dup on transcript NM_000127.3 (MANE Select); coding-DNA position 1762, one base duplicated (A; older notation c.1762dupA).
Protein change: p.Arg588fs; shifts the reading frame from arginine 588.
Molecular consequence: frameshift variant.
Genome position (GRCh38, 1-based): chr8:117,807,338, T duplicated on the plus strand (A on the coding strand, the reverse complement: EXT1 is on the minus strand). VCF-style (leftmost placement, unchanged base first): chr8-117807337-C-CT. GRCh37 (hg19) VCF-style: chr8-118819576-C-CT.
Other names: short protein forms R588fs.
Identifiers: ClinVar variation 1417206 (VCV001417206.6), dbSNP rs2129701760, ClinGen allele CA2573142814.

ClinVar aggregate classification (germline): Pathogenic (1 of 4 stars; one submission).

Conditions:
Multiple congenital exostosis (EXT). Also called: Hereditary multiple osteochondromas; MULTIPLE CARTILAGINOUS EXOSTOSES; Multiple exostoses; Hereditary multiple exostoses; Hereditary multiple exostosis; Multiple osteochondromas. Identifiers: Orphanet 321, MedGen C0015306, MONDO:0005508, HP:0002762.

Submission:

Labcorp Genetics (formerly Invitae), Labcorp
Classification: Pathogenic for Multiple congenital exostosis. Last evaluated: 2021-10-20. Review status: criteria provided, single submitter. Criteria: Invitae Variant Classification Sherloc (09022015). Collection method: clinical testing. Allele origin: germline.
Comment: This sequence change creates a premature translational stop signal (p.Arg588Lysfs*14) in the EXT1 gene. It is expected to result in an absent or disrupted protein product. Loss-of-function variants in EXT1 are known to be pathogenic (PMID: 10679937, 11391482, 19810120). This variant is not present in population databases (gnomAD no frequency). This variant has not been reported in the literature in individuals affected with EXT1-related conditions. For these reasons, this variant has been classified as Pathogenic.

Literature cited by the submitters: PubMed 10679937; PubMed 11391482; PubMed 19810120.